The following is an entry in ClinVar:

ClinVar aggregate classification (germline): Uncertain significance (1 of 4 stars; one submission).

Conditions:
Fanconi anemia (FA). Also called: Fanconi's anemia. Identifiers: Orphanet 84, MedGen C0015625, MeSH D005199, MONDO:0019391.

Submission:

Labcorp Genetics (formerly Invitae), Labcorp
Classification: Uncertain significance for Fanconi anemia. Last evaluated: 2024-07-21. Review status: criteria provided, single submitter. Criteria: Invitae Variant Classification Sherloc (09022015). Collection method: clinical testing. Allele origin: germline.
Comment: This sequence change falls in intron 17 of the FANCM gene. It does not directly change the encoded amino acid sequence of the FANCM protein. It affects a nucleotide within the consensus splice site. This variant is not present in population databases (gnomAD no frequency). This variant has not been reported in the literature in individuals affected with FANCM-related conditions. Variants that disrupt the consensus splice site are a relatively common cause of aberrant splicing (PMID: 17576681, 9536098). Algorithms developed to predict the effect of sequence changes on RNA splicing suggest that this variant is not likely to affect RNA splicing. In summary, the available evidence is currently insufficient to determine the role of this variant in disease. Therefore, it has been classified as a Variant of Uncertain Significance.

Literature cited by the submitters: PubMed 17576681; PubMed 9536098.

NM_020937.4(FANCM):c.4515+6C>A

Gene: FANCM (FA complementation group M; plus strand). Cytogenetic location: 14q21.2.
Variant type: single nucleotide variant.
Coding change: c.4515+6C>A on transcript NM_020937.4 (MANE Select); 6 bases into the intron after coding-DNA position 4515, C replaced by A.
Molecular consequence: intron variant.
Genome position (GRCh38, 1-based): chr14:45,183,908, C>A. VCF-style: chr14-45183908-C-A. GRCh37 (hg19) VCF-style: chr14-45653111-C-A.
Other names: c.4437+6C>A (NM_001308133.2).
Identifiers: ClinVar variation 2809439 (VCV002809439.3), dbSNP rs1302046374, ClinGen allele CA2739279289.